The following is an entry in ClinVar:

NM_005751.5(AKAP9):c.5698C>G (p.Arg1900Gly)

Gene: AKAP9 (A-kinase anchoring protein 9; plus strand). Cytogenetic location: 7q21.2.
Variant type: single nucleotide variant.
Coding change: c.5698C>G on transcript NM_005751.5 (MANE Select); coding-DNA position 5698, C replaced by G.
Protein change: p.Arg1900Gly; replaces arginine 1900 with glycine.
Molecular consequence: missense variant.
Genome position (GRCh38, 1-based): chr7:92,061,356, C>G. VCF-style: chr7-92061356-C-G. GRCh37 (hg19) VCF-style: chr7-91690670-C-G.
Other names: c.343C>G, p.Arg115Gly (NM_001379277.1); c.5698C>G, p.Arg1900Gly (NM_147185.3); short protein forms R115G, R1900G.
Identifiers: ClinVar variation 1401868 (VCV001401868.8), dbSNP rs978219635, ClinGen allele CA368131654.

ClinVar aggregate classification (germline): Uncertain significance. Review status: criteria provided, multiple submitters, no conflicts (2 of 4 stars). 2 submissions from 2 submitters: Uncertain significance (2). Last evaluated 2022-08-31.

Conditions:
Long QT syndrome (LQTS). Identifiers: MedGen C0023976, MeSH D008133, MONDO:0002442. Disease mechanism: loss of function. Inheritance: Various modes of inheritance.
Cardiovascular phenotype. Identifiers: MedGen CN230736.

Submissions (2):

Labcorp Genetics (formerly Invitae), Labcorp
Classification: Uncertain significance for Long QT syndrome. Last evaluated: 2022-08-31. Review status: criteria provided, single submitter. Criteria: Invitae Variant Classification Sherloc (09022015). Collection method: clinical testing. Allele origin: germline.
Comment: Algorithms developed to predict the effect of missense changes on protein structure and function are either unavailable or do not agree on the potential impact of this missense change (SIFT: "Deleterious"; PolyPhen-2: "Benign"; Align-GVGD: "Class C0"). In summary, the available evidence is currently insufficient to determine the role of this variant in disease. Therefore, it has been classified as a Variant of Uncertain Significance. ClinVar contains an entry for this variant (Variation ID: 1401868). This variant has not been reported in the literature in individuals affected with AKAP9-related conditions. This variant is not present in population databases (gnomAD no frequency). This sequence change replaces arginine, which is basic and polar, with glycine, which is neutral and non-polar, at codon 1900 of the AKAP9 protein (p.Arg1900Gly).

Ambry Genetics
Classification: Uncertain significance for Cardiovascular phenotype. Last evaluated: 2022-07-06. Review status: criteria provided, single submitter. Criteria: Ambry Variant Classification Scheme 2023. Collection method: clinical testing. Allele origin: germline.
Comment: The p.R1900G variant (also known as c.5698C>G), located in coding exon 23 of the AKAP9 gene, results from a C to G substitution at nucleotide position 5698. The arginine at codon 1900 is replaced by glycine, an amino acid with dissimilar properties. This amino acid position is conserved. In addition, this alteration is predicted to be tolerated by in silico analysis. Since supporting evidence is limited at this time, the clinical significance of this alteration remains unclear.